The following is an entry in ClinVar:

ClinVar aggregate classification (germline): Benign/Likely benign. Review status: criteria provided, multiple submitters, no conflicts (2 of 4 stars). 11 submissions from 10 submitters: Benign (9); Likely benign (2). Last evaluated 2026-02-04.

Conditions:
Fraser syndrome 2 (FRASRS2). Identifiers: MedGen C4540036, MONDO:0054738, OMIM 617666.
Isolated cryptophthalmia. Also called: ANKYLOBLEPHARON, SIMPLE; Cryptophthalmos, unilateral or bilateral, isolated. Identifiers: Orphanet 91396, MedGen C1852453, MONDO:0007410, OMIM 123570.
Fraser syndrome 1 (FRASRS1). Also called: CRYPTOPHTHALMOS WITH OTHER MALFORMATIONS. Identifiers: Orphanet 2052, MedGen C4551480, MONDO:0054737, OMIM 219000.

Allele frequency attached by ClinVar (database versions not stated): gnomAD exomes 0.34200; ExAC 0.34726; gnomAD 0.42758 and 0.43515; ESP Exome Variant Server 0.43634; TOPMed 0.44678; 1000 Genomes Project 0.48123; 1000 Genomes Project 30x 0.49282.
gnomAD v4.1: 489,753 of 1,613,692 alleles (30%); highest among the groups gnomAD compares: African/African-American, 76%; 84,064 homozygotes.

Submissions (11):

Labcorp Genetics (formerly Invitae), Labcorp
Classification: Benign. Last evaluated: 2026-02-04. Review status: criteria provided, single submitter. Criteria: Invitae Variant Classification Sherloc (09022015). Collection method: clinical testing. Allele origin: germline.

Blueprint Genetics
Classification: Benign. Last evaluated: 2024-11-27. Review status: criteria provided, single submitter. Criteria: ACMG Guidelines, 2015. Collection method: clinical testing. Allele origin: germline.

Mayo Clinic Laboratories, Mayo Clinic
Classification: Benign. Last evaluated: 2022-11-14. Review status: criteria provided, single submitter. Criteria: ACMG Guidelines, 2015. Collection method: clinical testing. Allele origin: germline. Observed: 49 variant alleles.
Comment: BA1, BP4

Women's Health and Genetics/Laboratory Corporation of America, LabCorp
Classification: Likely benign. Last evaluated: 2021-12-03. Review status: criteria provided, single submitter. Criteria: LabCorp Variant Classification Summary - May 2015. Collection method: clinical testing. Allele origin: germline.

Genome-Nilou Lab
Classification: Benign for Isolated cryptophthalmia. Last evaluated: 2021-08-10. Review status: criteria provided, single submitter. Criteria: ACMG Guidelines, 2015. Collection method: clinical testing. Allele origin: germline. Affected: no.

Genome-Nilou Lab
Classification: Benign for Fraser syndrome 2. Last evaluated: 2021-08-10. Review status: criteria provided, single submitter. Criteria: ACMG Guidelines, 2015. Collection method: clinical testing. Allele origin: germline. Affected: no.

Mendelics
Classification: Benign for Fraser syndrome 1. Last evaluated: 2019-05-28. Review status: criteria provided, single submitter. Criteria: Mendelics Assertion Criteria 2017. Collection method: clinical testing. Allele origin: unknown.

GeneDx
Classification: Benign. Last evaluated: 2018-11-11. Review status: criteria provided, single submitter. Criteria: GeneDx Variant Classification Process June 2021. Collection method: clinical testing. Allele origin: germline. Affected: yes.
Comment: This variant is associated with the following publications: (PMID: 17000706)

Illumina Laboratory Services, Illumina
Classification: Benign for Fraser syndrome 2. Last evaluated: 2018-03-06. Review status: criteria provided, single submitter. Criteria: ICSL Variant Classification Criteria 13 December 2019. Collection method: clinical testing. Allele origin: germline.
Comment: This variant was observed in the ICSL laboratory as part of a predisposition screen in an ostensibly healthy population. It had not been previously curated by ICSL or reported in the Human Gene Mutation Database (HGMD: prior to June 1st, 2018), and was therefore a candidate for classification through an automated scoring system. Utilizing variant allele frequency, disease prevalence and penetrance estimates, and inheritance mode, an automated score was calculated to assess if this variant is too frequent to cause the disease. Based on the score and internal cut-off values, a variant classified as benign is not then subjected to further curation. The score for this variant resulted in a classification of benign for this disease.

Eurofins Ntd Llc (ga)
Classification: Benign. Last evaluated: 2014-12-09. Review status: criteria provided, single submitter. Criteria: EGL Classification Definitions 2015. Collection method: clinical testing. Allele origin: germline. Observed: 2 variant alleles, 2 heterozygotes.

Breakthrough Genomics
Classification: Likely benign. Review status: criteria provided, single submitter. Criteria: ACMG Guidelines, 2015. Collection method: not provided. Allele origin: germline. Inheritance: Autosomal recessive inheritance. Affected: yes.

NM_207361.6(FREM2):c.3209T>C (p.Phe1070Ser)

Gene: FREM2 (FRAS1 related extracellular matrix 2; plus strand). Cytogenetic location: 13q13.3.
Variant type: single nucleotide variant.
Coding change: c.3209T>C on transcript NM_207361.6 (MANE Select); coding-DNA position 3209, T replaced by C.
Protein change: p.Phe1070Ser; replaces phenylalanine 1070 with serine.
Molecular consequence: missense variant.
Genome position (GRCh38, 1-based): chr13:38,690,553, T>C. VCF-style: chr13-38690553-T-C. GRCh37 (hg19) VCF-style: chr13-39264690-T-C.
Other names: p.Phe1070Ser; c.3209T>C (NM_207361.5); short protein forms F1070S.
Identifiers: ClinVar variation 193525 (VCV000193525.24), dbSNP rs2496425, ClinGen allele CA200635.